The following is an entry in ClinVar:

ClinVar aggregate classification (germline): Uncertain significance (1 of 4 stars; one submission).

Submission:

Women's Health and Genetics/Laboratory Corporation of America, LabCorp
Classification: Uncertain significance. Last evaluated: 2025-09-26. Review status: criteria provided, single submitter. Criteria: LabCorp Variant Classification Summary - May 2015. Collection method: clinical testing. Allele origin: germline.
Comment: Variant summary: GRIK2 c.200A>G (p.Asn67Ser) results in a conservative amino acid change in the encoded protein sequence. Algorithms developed to predict the effect of missense changes on protein structure and function are either unavailable or do not agree on the potential impact of this missense change. The variant was absent in 250474 control chromosomes. The available data on variant occurrences in the general population are insufficient to allow any conclusion about variant significance. To our knowledge, no occurrence of c.200A>G in individuals affected with GRIK2-related conditions and no experimental evidence demonstrating its impact on protein function have been reported. No submitters have cited clinical-significance assessments for this variant to ClinVar. Based on the evidence outlined above, the variant was classified as uncertain significance.

NM_021956.5(GRIK2):c.200A>G (p.Asn67Ser)

Gene: GRIK2 (glutamate ionotropic receptor kainate type subunit 2; plus strand). Cytogenetic location: 6q16.3.
Variant type: single nucleotide variant.
Coding change: c.200A>G on transcript NM_021956.5 (MANE Select); coding-DNA position 200, A replaced by G.
Protein change: p.Asn67Ser; replaces asparagine 67 with serine.
Molecular consequence: missense variant.
Genome position (GRCh38, 1-based): chr6:101,622,033, A>G. VCF-style: chr6-101622033-A-G. GRCh37 (hg19) VCF-style: chr6-102069908-A-G.
Other names: c.200A>G, p.Asn67Ser (NM_001166247.1, NM_175768.3); short protein forms N67S.
Identifiers: ClinVar variation 4535939 (VCV004535939.1).